The following is an entry in ClinVar:

NM_002615.7(SERPINF1):c.787-21A>G

Gene: SERPINF1 (serpin family F member 1; plus strand). Cytogenetic location: 17p13.3.
Variant type: single nucleotide variant.
Coding change: c.787-21A>G on transcript NM_002615.7 (MANE Select); 21 bases into the intron before coding-DNA position 787, A replaced by G.
Molecular consequence: intron variant.
Genome position (GRCh38, 1-based): chr17:1,776,511, A>G. VCF-style: chr17-1776511-A-G. GRCh37 (hg19) VCF-style: chr17-1679805-A-G.
Other names: c.226-21A>G (NM_001329904.2, NM_001329905.2); c.787-21A>G (NM_001329903.2).
Identifiers: ClinVar variation 674948 (VCV000674948.2), dbSNP rs2071022, ClinGen allele CA8274864.
Genomic context (GRCh38, chr17:1,776,511, plus strand): 5'-AGGGAAGGCAGCTCCTGGCTGTGTCTGTCCCCGGCTTTTGGGCTCTGAAGGACTAACCAC[A>G]TGCTTTCTCACTTGTCTCAGATTGCCCAGCTGCCCTTGACCGGAAGCATGAGTATCATCT-3'

ClinVar aggregate classification (germline): Benign. Review status: criteria provided, multiple submitters, no conflicts (2 of 4 stars). 2 submissions from 2 submitters: Benign (2). Last evaluated 2018-06-19.

Allele frequency attached by ClinVar (database versions not stated): gnomAD exomes 0.71654 and 0.73215; ExAC 0.72943; ESP Exome Variant Server 0.76918; gnomAD 0.76956 and 0.77474; 1000 Genomes Project 0.77696; TOPMed 0.77901; 1000 Genomes Project 30x 0.78014.
gnomAD v4.1: 1,163,502 of 1,612,604 alleles (72%); highest among the groups gnomAD compares: African/African-American, 90%; 422,372 homozygotes.

Submissions (2):

GeneDx
Classification: Benign. Last evaluated: 2018-06-19. Review status: criteria provided, single submitter. Criteria: GeneDx Variant Classification (06012015). Collection method: clinical testing. Allele origin: germline. Affected: yes.
Comment: This variant is considered likely benign or benign based on one or more of the following criteria: it is a conservative change, it occurs at a poorly conserved position in the protein, it is predicted to be benign by multiple in silico algorithms, and/or has population frequency not consistent with disease.

Breakthrough Genomics
Classification: Benign. Review status: criteria provided, single submitter. Criteria: ACMG Guidelines, 2015. Collection method: not provided. Allele origin: germline. Inheritance: Autosomal recessive inheritance. Affected: yes.